The following is an entry in ClinVar:

ClinVar aggregate classification (germline): Uncertain significance. Review status: criteria provided, multiple submitters, no conflicts (2 of 4 stars). 2 submissions from 2 submitters: Uncertain significance (2). Last evaluated 2025-06-30.

Conditions:
Hereditary nonpolyposis colorectal neoplasms. Identifiers: MedGen C0009405, MeSH D003123.
Hereditary cancer-predisposing syndrome. Also called: Neoplastic Syndromes, Hereditary; Tumor predisposition; Hereditary Cancer Syndrome; Hereditary neoplastic syndrome. Identifiers: Orphanet 140162, MedGen C0027672, MeSH D009386, MONDO:0015356.

Submissions (2):

Color Diagnostics, LLC DBA Color Health
Classification: Uncertain significance for Hereditary cancer-predisposing syndrome. Last evaluated: 2025-06-30. Review status: criteria provided, single submitter. Criteria: ACMG Guidelines, 2015. Collection method: clinical testing. Allele origin: germline.
Comment: This missense variant replaces threonine with proline at codon 1008 of the MSH6 protein. Computational prediction suggests that this variant may have deleterious impact on protein structure and function. To our knowledge, functional studies have not been reported for this variant. This variant has not been reported in individuals affected with MSH6-related disorders in the literature. This variant has not been identified in the general population by the Genome Aggregation Database (gnomAD). The available evidence is insufficient to determine the role of this variant in disease conclusively. Therefore, this variant is classified as a Variant of Uncertain Significance.

Labcorp Genetics (formerly Invitae), Labcorp
Classification: Uncertain significance for Hereditary nonpolyposis colorectal neoplasms. Last evaluated: 2024-04-22. Review status: criteria provided, single submitter. Criteria: Invitae Variant Classification Sherloc (09022015). Collection method: clinical testing. Allele origin: germline.
Comment: This sequence change replaces threonine, which is neutral and polar, with proline, which is neutral and non-polar, at codon 1008 of the MSH6 protein (p.Thr1008Pro). This variant is not present in population databases (gnomAD no frequency). This variant has not been reported in the literature in individuals affected with MSH6-related conditions. Advanced modeling of protein sequence and biophysical properties (such as structural, functional, and spatial information, amino acid conservation, physicochemical variation, residue mobility, and thermodynamic stability) has been performed at Invitae for this missense variant, however the output from this modeling did not meet the statistical confidence thresholds required to predict the impact of this variant on MSH6 protein function. In summary, the available evidence is currently insufficient to determine the role of this variant in disease. Therefore, it has been classified as a Variant of Uncertain Significance.

NM_000179.3(MSH6):c.3022A>C (p.Thr1008Pro)

Gene: MSH6 (mutS homolog 6; plus strand). Cytogenetic location: 2p16.3.
Variant type: single nucleotide variant.
Coding change: c.3022A>C on transcript NM_000179.3 (MANE Select); coding-DNA position 3022, A replaced by C.
Protein change: p.Thr1008Pro; replaces threonine 1008 with proline.
Molecular consequence: missense variant. On other transcripts: non-coding transcript variant (5), intron variant (2).
Genome position (GRCh38, 1-based): chr2:47,801,005, A>C. VCF-style: chr2-47801005-A-C. GRCh37 (hg19) VCF-style: chr2-48028144-A-C.
Other names: c.2632A>C, p.Thr878Pro (NM_001281492.2); c.2116A>C, p.Thr706Pro (NM_001281493.2, NM_001281494.2, NM_001406811.1 and 6 more transcripts); c.3118A>C, p.Thr1040Pro (NM_001406795.1, NM_001406802.1); c.3022A>C, p.Thr1008Pro (NM_001406796.1, NM_001406798.1, NM_001406800.1 and 2 more transcripts); c.2725A>C, p.Thr909Pro (NM_001406797.1, NM_001406801.1, NM_001406805.1 and 10 more transcripts); c.2497A>C, p.Thr833Pro (NM_001406799.1, NM_001406806.1, NM_001406807.1); c.2944A>C, p.Thr982Pro (NM_001406804.1); c.3028A>C, p.Thr1010Pro (NM_001406813.1); and 4 more; short protein forms T1010P, T833P, T909P, T952P, T982P, T1040P, T323P, T878P.
Identifiers: ClinVar variation 2708398 (VCV002708398.4), dbSNP rs2530708199, ClinGen allele CA346756443.